The following is an entry in ClinVar:

NC_000001.10:g.(?_173876568)_(173886568_?)dup

Gene: SERPINC1 (serpin family C member 1; minus strand). Cytogenetic location: 1q25.1.
Variant type: Duplication.
Identifiers: ClinVar variation 3247685 (VCV003247685.1).

ClinVar aggregate classification (germline): Uncertain significance (1 of 4 stars; one submission).

Conditions:
Hereditary antithrombin deficiency (AT3D). Also called: Reduced antithrombin III activity; Antithrombin III deficiency; Thrombophilia due to antithrombin III deficiency; Antithrombin deficiency. Identifiers: Orphanet 82, MedGen C0272375, MONDO:0013144, OMIM 613118, HP:0001976.

Submission:

Labcorp Genetics (formerly Invitae), Labcorp
Classification: Uncertain significance for Hereditary antithrombin deficiency. Last evaluated: 2023-03-22. Review status: criteria provided, single submitter. Criteria: Invitae Variant Classification Sherloc (09022015). Collection method: clinical testing. Allele origin: unknown.
Comment: In summary, the available evidence is currently insufficient to determine the role of this variant in disease. Therefore, it has been classified as a Variant of Uncertain Significance. Experimental studies and prediction algorithms are not available or were not evaluated, and the functional significance of this variant is currently unknown. This variant has not been reported in the literature in individuals affected with SERPINC1-related conditions. This variant results in a copy number gain of the genomic region encompassing exon(s) 1-6 of the SERPINC1 gene. This region includes the initiator codon of the gene. This copy number gain extends beyond the assayed region for this gene and therefore may encompass additional genes. As the precise location of this event is unknown, it may be in tandem or it may be located elsewhere in the genome.